The following is an entry in ClinVar:

ClinVar aggregate classification (germline): Uncertain significance (1 of 4 stars; one submission).

Conditions:
Hereditary cancer-predisposing syndrome. Also called: Hereditary Cancer Syndrome; Hereditary neoplastic syndrome; Neoplastic Syndromes, Hereditary; Tumor predisposition. Identifiers: Orphanet 140162, MedGen C0027672, MeSH D009386, MONDO:0015356.

Submission:

Ambry Genetics
Classification: Uncertain significance for Hereditary cancer-predisposing syndrome. Last evaluated: 2021-02-02. Review status: criteria provided, single submitter. Criteria: Ambry Variant Classification Scheme 2023. Collection method: clinical testing. Allele origin: germline.
Comment: The p.A498V variant (also known as c.1493C>T), located in coding exon 10 of the PTCH1 gene, results from a C to T substitution at nucleotide position 1493. The alanine at codon 498 is replaced by valine, an amino acid with similar properties. This amino acid position is highly conserved in available vertebrate species. In addition, this alteration is predicted to be deleterious by in silico analysis. Since supporting evidence is limited at this time, the clinical significance of this alteration remains unclear.

NM_000264.5(PTCH1):c.1493C>T (p.Ala498Val)

Gene: PTCH1 (patched 1; minus strand). Cytogenetic location: 9q22.32.
Variant type: single nucleotide variant.
Coding change: c.1493C>T on transcript NM_000264.5 (MANE Select); coding-DNA position 1493, C replaced by T.
Protein change: p.Ala498Val; replaces alanine 498 with valine.
Molecular consequence: missense variant. On other transcripts: non-coding transcript variant (1), intron variant (1).
Genome position (GRCh38, 1-based): chr9:95,477,557, G>A on the plus strand (C>T on the coding strand, the complement: PTCH1 is on the minus strand). VCF-style: chr9-95477557-G-A. GRCh37 (hg19) VCF-style: chr9-98239839-G-A.
Other names: c.1295C>T, p.Ala432Val (NM_001083602.3); c.1490C>T, p.Ala497Val (NM_001083603.3); c.1040C>T, p.Ala347Val (NM_001083604.3, NM_001083605.3, NM_001083606.3 and 1 more transcripts); c.1347+498C>T (NM_001354918.2); short protein forms A497V, A347V, A432V, A498V.
Identifiers: ClinVar variation 1773830 (VCV001773830.2), dbSNP rs2538204630, ClinGen allele CA374118387.